The following is an entry in ClinVar:

ClinVar aggregate classification (germline): Pathogenic/Likely pathogenic. Review status: criteria provided, multiple submitters, no conflicts (2 of 4 stars). 2 submissions from 2 submitters: Pathogenic (1); Likely pathogenic (1). Last evaluated 2025-02-06.

Conditions:
Hereditary spastic paraplegia 35. Also called: LEUKODYSTROPHY, DYSMYELINATING, AND SPASTIC PARAPARESIS WITH OR WITHOUT DYSTONIA; Spastic paraplegia 35, autosomal recessive; Spastic paraplegia 35; SPASTIC PARAPLEGIA 35, AUTOSOMAL RECESSIVE, WITH OR WITHOUT NEURODEGENERATION. Identifiers: Orphanet 171629, MedGen C3496228, MONDO:0012866, OMIM 612319.
Spastic paraplegia. Identifiers: MedGen C0037772, HP:0001258.

gnomAD v4.1: 6 of 1,613,990 alleles (0.00037%); highest among the groups gnomAD compares: South Asian, 0.0011%; no homozygotes.

Submissions (2):

Labcorp Genetics (formerly Invitae), Labcorp
Classification: Pathogenic for Spastic paraplegia. Last evaluated: 2025-02-06. Review status: criteria provided, single submitter. Criteria: Invitae Variant Classification Sherloc (09022015). Collection method: clinical testing. Allele origin: germline.
Comment: This sequence change replaces arginine, which is basic and polar, with histidine, which is basic and polar, at codon 235 of the FA2H protein (p.Arg235His). This variant is present in population databases (rs572112273, gnomAD 0.003%). This missense change has been observed in individual(s) with clinical features of hereditary spastic paraplegia (PMID: 28017243, 31135052). In at least one individual the data is consistent with being in trans (on the opposite chromosome) from a pathogenic variant. It has also been observed to segregate with disease in related individuals. Invitae Evidence Modeling of protein sequence and biophysical properties (such as structural, functional, and spatial information, amino acid conservation, physicochemical variation, residue mobility, and thermodynamic stability) indicates that this missense variant is expected to disrupt FA2H protein function with a positive predictive value of 80%. This variant disrupts the p.Arg235 amino acid residue in FA2H. Other variant(s) that disrupt this residue have been observed in individuals with FA2H-related conditions (PMID: 20104589, 26944241), which suggests that this may be a clinically significant amino acid residue. For these reasons, this variant has been classified as Pathogenic.

Genetic Foundation of Khorasan Razavi (GFKR)
Classification: Likely pathogenic for Hereditary spastic paraplegia 35. Last evaluated: 2024-01-10. Review status: criteria provided, single submitter. Criteria: ACMG Guidelines, 2015. Collection method: clinical testing. Allele origin: inherited. Affected: yes. Observed: 1 homozygote.
Comment: This variant is rare in population databases. The amino acid change occurs at a residue where other pathogenic variants have been reported, and multiple in silico prediction tools support a deleterious effect on protein function. This variant has been previously reported in the literature as Likely Pathogenic.

Literature cited by the submitters: PubMed 28017243 (cited by Labcorp Genetics (formerly Invitae), Labcorp); PubMed 31135052 (cited by Labcorp Genetics (formerly Invitae), Labcorp and Genetic Foundation of Khorasan Razavi (GFKR)); PubMed 20104589 (cited by Labcorp Genetics (formerly Invitae), Labcorp); PubMed 26944241 (cited by Labcorp Genetics (formerly Invitae), Labcorp).

NM_024306.5(FA2H):c.704G>A (p.Arg235His)

Gene: FA2H (fatty acid 2-hydroxylase; minus strand). Cytogenetic location: 16q23.1.
Variant type: single nucleotide variant.
Coding change: c.704G>A on transcript NM_024306.5 (MANE Select); coding-DNA position 704, G replaced by A.
Protein change: p.Arg235His; replaces arginine 235 with histidine.
Molecular consequence: missense variant.
Genome position (GRCh38, 1-based): chr16:74,719,070, C>T on the plus strand (G>A on the coding strand, the complement: FA2H is on the minus strand). VCF-style: chr16-74719070-C-T. GRCh37 (hg19) VCF-style: chr16-74752968-C-T.
Other names: short protein forms R235H.
Identifiers: ClinVar variation 4540448 (VCV004540448.2).
Genomic context (GRCh38, chr16:74,719,070, plus strand): 5'-ACGAAGTGCAGCATGATGAGGTAATAGCTGTCGCTGGGGGGCTTCATGTGGAACAGGAAG[C>T]GGTGGATGAGGTACTCGATGAGGCTCCAGAGGAATGTCCCCAGCATGAAGAGCCCGGGGA-3'
Protein context (NP_077282.3, residues 225-245): LWSLIEYLIH[Arg235His]FLFHMKPPSD